The following is an entry in ClinVar:

ClinVar aggregate classification (germline): Uncertain significance (1 of 4 stars; one submission).

gnomAD v4.1: 1 of 1,608,878 alleles (0.000062%); highest among the groups gnomAD compares: Middle Eastern, 0.017%; no homozygotes.

Submission:

GeneDx
Classification: Uncertain significance. Last evaluated: 2024-05-15. Review status: criteria provided, single submitter. Criteria: GeneDx Variant Classification Process June 2021. Collection method: clinical testing. Allele origin: germline. Affected: yes.
Comment: Not observed at significant frequency in large population cohorts (gnomAD); In silico analysis supports that this missense variant has a deleterious effect on protein structure/function; Has not been previously published as pathogenic or benign to our knowledge

NM_021956.5(GRIK2):c.1445T>C (p.Leu482Pro)

Gene: GRIK2 (glutamate ionotropic receptor kainate type subunit 2; plus strand). Cytogenetic location: 6q16.3.
Variant type: single nucleotide variant.
Coding change: c.1445T>C on transcript NM_021956.5 (MANE Select); coding-DNA position 1445, T replaced by C.
Protein change: p.Leu482Pro; replaces leucine 482 with proline.
Molecular consequence: missense variant.
Genome position (GRCh38, 1-based): chr6:101,859,414, T>C. VCF-style: chr6-101859414-T-C. GRCh37 (hg19) VCF-style: chr6-102307289-T-C.
Other names: c.1445T>C, p.Leu482Pro (NM_001166247.1, NM_175768.3); short protein forms L482P.
Identifiers: ClinVar variation 3381510 (VCV003381510.1).